The following is an entry in ClinVar:

ClinVar aggregate classification (germline): Conflicting classifications of pathogenicity. Review status: criteria provided, conflicting classifications (1 of 4 stars). 4 submissions from 4 submitters: Likely pathogenic (1); Uncertain significance (3). Last evaluated 2025-09-11.

Conditions:
Inborn genetic diseases. Identifiers: MedGen C0950123, MeSH D030342.

Allele frequency attached by ClinVar (database versions not stated): TOPMed 0.00001; gnomAD exomes 0.00002; gnomAD 0.00001; ExAC 0.00002.
gnomAD v4.1: 95 of 1,614,000 alleles (0.0059%); highest among the groups gnomAD compares: Non-Finnish European, 0.0079%; no homozygotes.

Submissions (4):

Women's Health and Genetics/Laboratory Corporation of America, LabCorp
Classification: Uncertain significance. Last evaluated: 2025-09-11. Review status: criteria provided, single submitter. Criteria: LabCorp Variant Classification Summary - May 2015. Collection method: clinical testing. Allele origin: germline.
Comment: Variant summary: LIG4 c.2584C>T (p.His862Tyr) results in a conservative amino acid change in the encoded protein sequence. Algorithms developed to predict the effect of missense changes on protein structure and function are either unavailable or do not agree on the potential impact of this missense change. The variant allele was found at a frequency of 1.6e-05 in 251404 control chromosomes. The available data on variant occurrences in the general population are insufficient to allow any conclusion about variant significance. To our knowledge, no occurrence of c.2584C>T in individuals affected with LIG4-related conditions and no experimental evidence demonstrating its impact on protein function have been reported. ClinVar contains an entry for this variant (Variation ID: 418285). Based on the evidence outlined above, the variant was classified as uncertain significance.

Dasa
Classification: Uncertain significance. Last evaluated: 2025-07-28. Review status: criteria provided, single submitter. Criteria: DASA Assertion Criteria. Collection method: clinical testing. Allele origin: germline.
Comment: NM_206937.2(LIG4):c.2584C>T (p.His862Tyr) is a missense variant that results in the substitution of histidine with tyrosine. This variant is rare in population databases. The currently available literature and clinical evidence are not sufficient to establish a definitive association between this variant and the reported condition. Therefore, this variant is classified as a variant of uncertain significance.

Ambry Genetics
Classification: Uncertain significance for Inborn genetic diseases. Last evaluated: 2022-11-08. Review status: criteria provided, single submitter. Criteria: Ambry Variant Classification Scheme 2023. Collection method: clinical testing. Allele origin: germline.

GeneDx
Classification: Likely pathogenic. Last evaluated: 2013-09-26. Review status: criteria provided, single submitter. Criteria: GeneDx Variant Classification (06012015). Collection method: clinical testing. Allele origin: germline. Affected: yes.
Comment: To our knowledge, the H862Y missense change has neither been published as a pathogenic variant, nor has reported as a benign polymorphism. This variant was not observed at any significant frequency in approximately 6,500 individuals of European and African American ancestry in an external variant database. H862Y represents a non-conservative amino acid substitution, as a positively-charged Histidine residue is replaced with a neutral, polar Tyrosine residue. This substitution occurs at a position in the LIG4 protein that is highly conserved among species and is located in one of the two C-terminal BRCT domain regions. Therefore, H862Y is a strong candidate for a pathogenic variant; however, the possibility that it is a benign variant cannot be excluded.

Literature cited by the submitters: PubMed 31589614 (cited by Women's Health and Genetics/Laboratory Corporation of America, LabCorp).

NM_206937.2(LIG4):c.2584C>T (p.His862Tyr)

Gene: LIG4 (DNA ligase 4; minus strand). Cytogenetic location: 13q33.3.
Variant type: single nucleotide variant.
Coding change: c.2584C>T on transcript NM_206937.2 (MANE Select); coding-DNA position 2584, C replaced by T.
Protein change: p.His862Tyr; replaces histidine 862 with tyrosine.
Molecular consequence: missense variant.
Genome position (GRCh38, 1-based): chr13:108,208,685, G>A on the plus strand (C>T on the coding strand, the complement: LIG4 is on the minus strand). VCF-style: chr13-108208685-G-A. GRCh37 (hg19) VCF-style: chr13-108861033-G-A.
Other names: c.2584C>T, p.His862Tyr (NM_001098268.2, NM_001352598.2, NM_001352599.2 and 6 more transcripts); c.2383C>T, p.His795Tyr (NM_001330595.2); c.2620C>T, p.His874Tyr (NM_001352604.2); short protein forms H862Y, H795Y, H874Y.
Identifiers: ClinVar variation 418285 (VCV000418285.8), dbSNP rs201176444, ClinGen allele CA7043468.